The following is an entry in ClinVar:

ClinVar aggregate classification (germline): Uncertain significance (1 of 4 stars; one submission).

Submission:

Labcorp Genetics (formerly Invitae), Labcorp
Classification: Uncertain significance. Last evaluated: 2025-02-12. Review status: criteria provided, single submitter. Criteria: Invitae Variant Classification Sherloc (09022015). Collection method: clinical testing. Allele origin: germline.
Comment: This sequence change falls in intron 36 of the LAMA1 gene. It does not directly change the encoded amino acid sequence of the LAMA1 protein. This variant is not present in population databases (gnomAD no frequency). This variant has not been reported in the literature in individuals affected with LAMA1-related conditions. Experimental studies and prediction algorithms are not available or were not evaluated, and the effect of this variant on mRNA splicing is currently unknown. In summary, the available evidence is currently insufficient to determine the role of this variant in disease. Therefore, it has been classified as a Variant of Uncertain Significance.

NM_005559.4(LAMA1):c.5169-35_5169-17del

Gene: LAMA1 (laminin subunit alpha 1; minus strand). Cytogenetic location: 18p11.31.
Variant type: Deletion.
Coding change: c.5169-35_5169-17del on transcript NM_005559.4 (MANE Select); 35 bases into the intron before coding-DNA position 5169 through 17 bases into the intron before coding-DNA position 5169, 19 bases deleted (ATTTACTTACTATGTGAAC).
Molecular consequence: intron variant.
Genome position (GRCh38, 1-based): chr18:6,986,364-6,986,382, GTTCACATAGTAAGTAAAT deleted on the plus strand (ATTTACTTACTATGTGAAC on the coding strand, the reverse complement: LAMA1 is on the minus strand); deleting any 19 consecutive bases within chr18:6,986,364-6,986,383 gives the same sequence; the c. name uses the placement nearest the transcript's 3' end. VCF-style (leftmost placement, unchanged base first): chr18-6986363-GGTTCACATAGTAAGTAAAT-G. GRCh37 (hg19) VCF-style: chr18-6986362-GGTTCACATAGTAAGTAAAT-G.
Identifiers: ClinVar variation 4747344 (VCV004747344.1).